The following is an entry in ClinVar:

NM_001987.5(ETV6):c.968C>G (p.Ser323Cys)

Gene: ETV6 (ETS variant transcription factor 6; plus strand). Cytogenetic location: 12p13.2.
Variant type: single nucleotide variant.
Coding change: c.968C>G on transcript NM_001987.5 (MANE Select); coding-DNA position 968, C replaced by G.
Protein change: p.Ser323Cys; replaces serine 323 with cysteine.
Molecular consequence: missense variant.
Genome position (GRCh38, 1-based): chr12:11,869,928, C>G. VCF-style: chr12-11869928-C-G. GRCh37 (hg19) VCF-style: chr12-12022862-C-G.
Other names: short protein forms S323C.
Identifiers: ClinVar variation 1703825 (VCV001703825.2), dbSNP rs2498083268, ClinGen allele CA384044350.

ClinVar aggregate classification (germline): Likely pathogenic (1 of 4 stars; one submission).

Conditions:
Thrombocytopenia 5 (THC5). Also called: THROMBOCYTOPENIA 5 WITH INCREASED SUSCEPTIBILITY TO MALIGNANCY; THROMBOCYTOPENIA, AUTOSOMAL DOMINANT, 5. Identifiers: MedGen C4015537, MONDO:0014536, OMIM 616216.

Submission:

ISTH-SSC Genomics in Thrombosis and Hemostasis, KU Leuven, Center for Molecular and Vascular Biology
Classification: Likely pathogenic for Thrombocytopenia 5. Review status: criteria provided, single submitter. Criteria: ACMG Guidelines, 2015. Collection method: clinical testing. Allele origin: germline. Affected: yes. Observed: 1 heterozygote.
Comment: Submitted to GoldVariant by Jose María Bastida and José Rivera; Grupo Español de Alteraciones Plaquetarias Congénitas (GEAPC)